The following is an entry in ClinVar:

NM_004247.4(EFTUD2):c.895A>G (p.Ile299Val)

Gene: EFTUD2 (elongation factor Tu GTP binding domain containing 2; minus strand). Cytogenetic location: 17q21.31.
Variant type: single nucleotide variant.
Coding change: c.895A>G on transcript NM_004247.4 (MANE Select); coding-DNA position 895, A replaced by G.
Protein change: p.Ile299Val; replaces isoleucine 299 with valine.
Molecular consequence: missense variant.
Genome position (GRCh38, 1-based): chr17:44,872,545, T>C on the plus strand (A>G on the coding strand, the complement: EFTUD2 is on the minus strand). VCF-style: chr17-44872545-T-C. GRCh37 (hg19) VCF-style: chr17-42949913-T-C.
Other names: c.790A>G, p.Ile264Val (NM_001142605.2); c.895A>G, p.Ile299Val (NM_001258353.2); c.865A>G, p.Ile289Val (NM_001258354.2); short protein forms I289V, I299V, I264V.
Identifiers: ClinVar variation 2862955 (VCV002862955.3), dbSNP rs2508797109, ClinGen allele CA399818304.
Genomic context (GRCh38, chr17:44,872,545, plus strand): 5'-TGAAGCAGATGCTGTACTGGGAGCTGGAGAAGCAGACGTTACCCAGGAGTGGGGAAAGGA[T>C]CAGGTTCTCATCAGTGGAATACATGCTGAAACAGAGACAGTGGTGAACACAGTGCCAGGC-3'
Protein context (NP_004238.3, residues 289-309): ISMYSTDENL[Ile299Val]LSPLLGNVCF

ClinVar aggregate classification (germline): Uncertain significance (1 of 4 stars; one submission).

Allele frequency attached by ClinVar (database versions not stated): gnomAD exomes below 0.00001.
gnomAD v4.1: 1 of 1,612,362 alleles (0.000062%); highest among the groups gnomAD compares: Admixed American, 0.0017%; no homozygotes.

Submission:

Labcorp Genetics (formerly Invitae), Labcorp
Classification: Uncertain significance. Last evaluated: 2023-05-24. Review status: criteria provided, single submitter. Criteria: Invitae Variant Classification Sherloc (09022015). Collection method: clinical testing. Allele origin: germline.
Comment: This variant has not been reported in the literature in individuals affected with EFTUD2-related conditions. This variant is not present in population databases (gnomAD no frequency). This sequence change replaces isoleucine, which is neutral and non-polar, with valine, which is neutral and non-polar, at codon 299 of the EFTUD2 protein (p.Ile299Val). In summary, the available evidence is currently insufficient to determine the role of this variant in disease. Therefore, it has been classified as a Variant of Uncertain Significance. Advanced modeling of protein sequence and biophysical properties (such as structural, functional, and spatial information, amino acid conservation, physicochemical variation, residue mobility, and thermodynamic stability) performed at Invitae indicates that this missense variant is not expected to disrupt EFTUD2 protein function.